The following is an entry in ClinVar:

ClinVar aggregate classification (germline): Uncertain significance (1 of 4 stars; one submission).

Conditions:
Mucopolysaccharidosis, MPS-IV-A (MPS4A). Also called: MPS IVA; Mucopolysaccharidosis type IV A; Mucopolysaccharidosis Type IVA; Morquio syndrome A, mild; MORQUIO SYNDROME A; GALACTOSAMINE-6-SULFATASE DEFICIENCY. Identifiers: Orphanet 309297, Orphanet 582, MedGen C0086651, MONDO:0009659, OMIM 253000.

Submission:

Labcorp Genetics (formerly Invitae), Labcorp
Classification: Uncertain significance for Mucopolysaccharidosis, MPS-IV-A. Last evaluated: 2022-05-23. Review status: criteria provided, single submitter. Criteria: Invitae Variant Classification Sherloc (09022015). Collection method: clinical testing. Allele origin: germline.
Comment: This variant results in a copy number gain of the genomic region encompassing exon(s) 3 of the GALNS gene. While the exact position of this variant cannot be determined from the data, sub-genic copy number gains are generally in tandem (PMID: 25640679). This variant is predicted to be in-frame, and likely preserves the integrity of the reading frame. In summary, the available evidence is currently insufficient to determine the role of this variant in disease. Therefore, it has been classified as a Variant of Uncertain Significance. Experimental studies and prediction algorithms are not available or were not evaluated, and the functional significance of this variant is currently unknown. This variant has not been reported in the literature in individuals affected with GALNS-related conditions.

Literature cited by the submitters: PubMed 25640679.

NC_000016.9:g.(?_88908285)_(88908399_?)dup

Gene: GALNS (galactosamine (N-acetyl)-6-sulfatase; minus strand). Cytogenetic location: 16q24.3.
Variant type: Duplication.
Identifiers: ClinVar variation 2423181 (VCV002423181.4).